The following is an entry in ClinVar:

ClinVar aggregate classification (germline): Uncertain significance (1 of 4 stars; one submission).

Allele frequency attached by ClinVar (database versions not stated): TOPMed 0.00001; gnomAD 0.00002.
gnomAD v4.1: 12 of 1,614,054 alleles (0.00074%); highest among the groups gnomAD compares: African/African-American, 0.0013%; no homozygotes.

Submission:

Labcorp Genetics (formerly Invitae), Labcorp
Classification: Uncertain significance. Last evaluated: 2023-03-31. Review status: criteria provided, single submitter. Criteria: Invitae Variant Classification Sherloc (09022015). Collection method: clinical testing. Allele origin: germline.
Comment: In summary, the available evidence is currently insufficient to determine the role of this variant in disease. Therefore, it has been classified as a Variant of Uncertain Significance. An algorithm developed to predict the effect of missense changes on protein structure and function (PolyPhen-2) suggests that this variant is likely to be disruptive. This variant has not been reported in the literature in individuals affected with ALPK3-related conditions. This variant is present in population databases (no rsID available, gnomAD 0.004%). This sequence change replaces proline, which is neutral and non-polar, with serine, which is neutral and polar, at codon 995 of the ALPK3 protein (p.Pro995Ser).

NM_020778.5(ALPK3):c.2377C>T (p.Pro793Ser)

Gene: ALPK3 (alpha kinase 3; plus strand). Cytogenetic location: 15q25.3.
Variant type: single nucleotide variant.
Coding change: c.2377C>T on transcript NM_020778.5 (MANE Select); coding-DNA position 2377, C replaced by T.
Protein change: p.Pro793Ser; replaces proline 793 with serine.
Molecular consequence: missense variant.
Genome position (GRCh38, 1-based): chr15:84,857,115, C>T. VCF-style: chr15-84857115-C-T. GRCh37 (hg19) VCF-style: chr15-85400346-C-T.
Other names: short protein forms P793S.
Identifiers: ClinVar variation 2716852 (VCV002716852.3), dbSNP rs1200081854, ClinGen allele CA393356938.
Genomic context (GRCh38, chr15:84,857,115, plus strand): 5'-CCCAGATCTGAGGAGGCAGTAGTAACAGCCTCCAGGAACCATGAGCAAACTGTGCTGGGT[C>T]CCCTGTCAGGGAACCTCATGCTCCCAGCACAGCCGCCCCATGAGGGGAGTGTGGAGCAGG-3'
Protein context (NP_065829.4, residues 783-803): SRNHEQTVLG[Pro793Ser]LSGNLMLPAQ